The following is an entry in ClinVar:

NM_021913.5(AXL):c.2288G>A (p.Arg763His)

Gene: AXL (AXL receptor tyrosine kinase; plus strand). Cytogenetic location: 19q13.2.
Variant type: single nucleotide variant.
Coding change: c.2288G>A on transcript NM_021913.5 (MANE Select); coding-DNA position 2288, G replaced by A.
Protein change: p.Arg763His; replaces arginine 763 with histidine.
Molecular consequence: missense variant.
Genome position (GRCh38, 1-based): chr19:41,257,584, G>A. VCF-style: chr19-41257584-G-A. GRCh37 (hg19) VCF-style: chr19-41763489-G-A.
Other names: c.1484G>A, p.Arg495His (NM_001278599.2); c.2261G>A, p.Arg754His (NM_001699.6); short protein forms R495H, R754H, R763H.
Identifiers: ClinVar variation 1595119 (VCV001595119.9), dbSNP rs201238916, ClinGen allele CA9458661.

ClinVar aggregate classification (germline): Likely benign. Review status: criteria provided, multiple submitters, no conflicts (2 of 4 stars). 2 submissions from 2 submitters: Likely benign (2). Last evaluated 2026-02-27.

Allele frequency attached by ClinVar (database versions not stated): 1000 Genomes Project 30x 0.00062; gnomAD exomes 0.00064 and 0.00019; 1000 Genomes Project 0.00080; gnomAD 0.00141 and 0.00144; TOPMed 0.00167; ExAC 0.00021.
gnomAD v4.1: 490 of 1,614,182 alleles (0.03%); highest among the groups gnomAD compares: Admixed American, 0.69%; 9 homozygotes.

Submissions (2):

Women's Health and Genetics/Laboratory Corporation of America, LabCorp
Classification: Likely benign. Last evaluated: 2026-02-27. Review status: criteria provided, single submitter. Criteria: LabCorp Variant Classification Summary - May 2015. Collection method: clinical testing. Allele origin: germline.
Comment: Variant summary: AXL c.2288G>A (p.Arg763His) results in a non-conservative amino acid change in the encoded protein sequence. Algorithms developed to predict the effect of missense changes on protein structure and function are either unavailable or do not agree on the potential impact of this missense change. The variant allele was found at a frequency of 0.00064 in 251480 control chromosomes, predominantly at a frequency of 0.0042 within the Latino subpopulation in the gnomAD database, including 3 homozygotes. The observed variant frequency within Latino control individuals in the gnomAD database exceeds the estimated maximal expected allele frequency for disease-causing variants in AXL. To our knowledge, no occurrence of c.2288G>A in individuals affected with AXL-related conditions and no experimental evidence demonstrating its impact on protein function have been reported. The following publications have been ascertained in the context of this evaluation (PMID: 27149842, 25589003, 25344691). ClinVar contains an entry for this variant (Variation ID: 1595119). Based on the evidence outlined above, the variant was classified as likely benign.

Labcorp Genetics (formerly Invitae), Labcorp
Classification: Likely benign. Last evaluated: 2026-01-15. Review status: criteria provided, single submitter. Criteria: Invitae Variant Classification Sherloc (09022015). Collection method: clinical testing. Allele origin: germline.

Literature cited by the submitters: PubMed 25589003 (cited by Women's Health and Genetics/Laboratory Corporation of America, LabCorp); PubMed 25344691 (cited by Women's Health and Genetics/Laboratory Corporation of America, LabCorp); PubMed 27149842 (cited by Women's Health and Genetics/Laboratory Corporation of America, LabCorp).